The following is an entry in ClinVar:

ClinVar aggregate classification (germline): Uncertain significance. Review status: criteria provided, multiple submitters, no conflicts (2 of 4 stars). 2 submissions from 2 submitters: Uncertain significance (2). Last evaluated 2022-01-10.

Conditions:
Congenital muscular dystrophy due to integrin alpha-7 deficiency. Also called: Congenital muscular dystrophy with integrin alpha-7 deficiency; MYOPATHY, CONGENITAL, DUE TO INTEGRIN ALPHA-7 DEFICIENCY; Muscular dystrophy, congenital, due to ITGA7 deficiency. Identifiers: Orphanet 34520, MedGen C2750786, MONDO:0013177, OMIM 613204.

Allele frequency attached by ClinVar (database versions not stated): gnomAD 0.00002 and 0.00003; TOPMed 0.00003; gnomAD exomes 0.00005; ExAC 0.00007; ESP Exome Variant Server 0.00008.
gnomAD v4.1: 38 of 1,614,094 alleles (0.0024%); highest among the groups gnomAD compares: South Asian, 0.025%; no homozygotes.

Submissions (2):

Labcorp Genetics (formerly Invitae), Labcorp
Classification: Uncertain significance for Congenital muscular dystrophy due to integrin alpha-7 deficiency. Last evaluated: 2022-01-10. Review status: criteria provided, single submitter. Criteria: Invitae Variant Classification Sherloc (09022015). Collection method: clinical testing. Allele origin: germline.
Comment: Algorithms developed to predict the effect of missense changes on protein structure and function (SIFT, PolyPhen-2, Align-GVGD) all suggest that this variant is likely to be tolerated. ClinVar contains an entry for this variant (Variation ID: 498595). This variant has not been reported in the literature in individuals affected with ITGA7-related conditions. This variant is present in population databases (rs144639829, gnomAD 0.03%). This sequence change replaces arginine, which is basic and polar, with glutamine, which is neutral and polar, at codon 173 of the ITGA7 protein (p.Arg173Gln). Algorithms developed to predict the effect of sequence changes on RNA splicing suggest that this variant may create or strengthen a splice site. In summary, the available evidence is currently insufficient to determine the role of this variant in disease. Therefore, it has been classified as a Variant of Uncertain Significance.

Eurofins Ntd Llc (ga)
Classification: Uncertain significance. Last evaluated: 2016-12-21. Review status: criteria provided, single submitter. Criteria: EGL Classification Definitions 2015. Collection method: clinical testing. Allele origin: germline. Observed: 1 variant allele, 1 heterozygote.

NM_002206.3(ITGA7):c.518G>A (p.Arg173Gln)

Gene: ITGA7 (integrin subunit alpha 7; minus strand). Cytogenetic location: 12q13.2.
Variant type: single nucleotide variant.
Coding change: c.518G>A on transcript NM_002206.3 (MANE Select); coding-DNA position 518, G replaced by A.
Protein change: p.Arg173Gln; replaces arginine 173 with glutamine.
Molecular consequence: missense variant. On other transcripts: 5 prime UTR variant (1).
Genome position (GRCh38, 1-based): chr12:55,701,051, C>T on the plus strand (G>A on the coding strand, the complement: ITGA7 is on the minus strand). VCF-style: chr12-55701051-C-T. GRCh37 (hg19) VCF-style: chr12-56094835-C-T.
Other names: c.518G>A, p.Arg173Gln (NM_001144996.2, NM_001374465.1, NM_001410977.1 and 5 more transcripts); c.227G>A, p.Arg76Gln (NM_001144997.2); c.179G>A, p.Arg60Gln (NM_001367993.1, NM_001414035.1); c.-655G>A (NM_001367994.1); short protein forms R173Q, R76Q, R60Q.
Identifiers: ClinVar variation 498595 (VCV000498595.12), dbSNP rs144639829, ClinGen allele CA6616290.